The following is an entry in ClinVar:

NM_004991.4(MECOM):c.3130C>A (p.His1044Asn)

Gene: MECOM (MDS1 and EVI1 complex locus; minus strand). Cytogenetic location: 3q26.2.
Variant type: single nucleotide variant.
Coding change: c.3130C>A on transcript NM_004991.4 (MANE Select); coding-DNA position 3130, C replaced by A.
Protein change: p.His1044Asn; replaces histidine 1044 with asparagine.
Molecular consequence: missense variant.
Genome position (GRCh38, 1-based): chr3:169,092,992, G>T on the plus strand (C>A on the coding strand, the complement: MECOM is on the minus strand). VCF-style: chr3-169092992-G-T. GRCh37 (hg19) VCF-style: chr3-168810780-G-T.
Other names: c.2761C>A, p.His921Asn (NM_001105077.4); c.2566C>A, p.His856Asn (NM_001105078.4, NM_001205194.2, NM_001366469.2 and 1 more transcripts); c.2542C>A, p.His848Asn (NM_001163999.2, NM_001366470.2); c.2539C>A, p.His847Asn (NM_001164000.2, NM_001366471.2, NM_001366472.2); c.3103C>A, p.His1035Asn (NM_001366466.2); c.2569C>A, p.His857Asn (NM_001366467.2, NM_001366468.2); c.2131C>A, p.His711Asn (NM_001366473.2); c.1567C>A, p.His523Asn (NM_001366474.2); short protein forms H857N, H1044N, H848N, H856N, H523N, H711N, H847N, H921N.
Identifiers: ClinVar variation 4826700 (VCV004826700.1).

ClinVar aggregate classification (germline): Uncertain significance (1 of 4 stars; one submission).

Conditions:
Inborn genetic diseases. Identifiers: MedGen C0950123, MeSH D030342.

Submission:

Ambry Genetics
Classification: Uncertain significance for Inborn genetic diseases. Last evaluated: 2026-02-24. Review status: criteria provided, single submitter. Criteria: Ambry Variant Classification Scheme 2023. Collection method: clinical testing. Allele origin: germline.
Comment: The p.H1044N variant (also known as c.3130C>A), located in coding exon 14 of the MECOM gene, results from a C to A substitution at nucleotide position 3130. The histidine at codon 1044 is replaced by asparagine, an amino acid with similar properties. This amino acid position is conserved. In addition, this alteration is predicted to be tolerated by in silico analysis. Based on the available evidence, the clinical significance of this variant remains unclear.